The following is an entry in ClinVar:

ClinVar aggregate classification (germline): Uncertain significance (1 of 4 stars; one submission).

Submission:

Dasa
Classification: Uncertain significance. Last evaluated: 2025-08-15. Review status: criteria provided, single submitter. Criteria: DASA Assertion Criteria. Collection method: clinical testing. Allele origin: germline.
Comment: NM_001429.4(EP300):c.3733G>C (p.Val1245Leu) is a missense variant that results in the substitution of valine with leucine. The variant is present at low frequency in population datasets. Based on the available data, this variant is classified as variant of uncertain significance.

NM_001429.4(EP300):c.3733G>C (p.Val1245Leu)

Gene: EP300 (EP300 lysine acetyltransferase; plus strand). Cytogenetic location: 22q13.2.
Variant type: single nucleotide variant.
Coding change: c.3733G>C on transcript NM_001429.4 (MANE Select); coding-DNA position 3733, G replaced by C.
Protein change: p.Val1245Leu; replaces valine 1245 with leucine.
Molecular consequence: missense variant.
Genome position (GRCh38, 1-based): chr22:41,164,057, G>C. VCF-style: chr22-41164057-G-C. GRCh37 (hg19) VCF-style: chr22-41560061-G-C.
Other names: c.3655G>C, p.Val1219Leu (NM_001362843.2); short protein forms V1219L, V1245L.
Identifiers: ClinVar variation 4851830 (VCV004851830.1).